The following is an entry in ClinVar:

ClinVar aggregate classification (germline): Pathogenic. Review status: criteria provided, single submitter (1 of 4 stars). 3 submissions from 3 submitters: Pathogenic (1). 2 of the submissions do not count toward it. Last evaluated 2024-04-25.

Conditions:
Rubinstein-Taybi syndrome due to EP300 haploinsufficiency. Also called: RUBINSTEIN-TAYBI SYNDROME 2; EP300-Related Rubinstein-Taybi Syndrome. Identifiers: Orphanet 353284, Orphanet 783, MedGen C3150941, MONDO:0013364, OMIM 613684.
Carcinoma of colon (CRC). Also called: Colonic carcinoma; Colon carcinoma. Identifiers: MedGen C0699790, MONDO:0002032.

Submissions (3):

Institute of Human Genetics, University of Leipzig Medical Center
Classification: Pathogenic for Rubinstein-Taybi syndrome due to EP300 haploinsufficiency. Last evaluated: 2024-04-25. Review status: criteria provided, single submitter. Criteria: ACMG Guidelines, 2015. Collection method: clinical testing. Allele origin: de novo. Inheritance: Autosomal dominant inheritance. Affected: yes.
Comment: Criteria applied: PVS1,PS2_MOD,PS4_SUP,PM2

OMIM
Classification: Pathogenic for COLORECTAL CANCER, SOMATIC. Last evaluated: 2000-03-01. Review status: no assertion criteria provided. Collection method: literature only. Allele origin: somatic. Not counted in ClinVar's aggregate classification.

Service de Génétique Moléculaire, Hôpital Robert Debré
Classification: Likely pathogenic for Rubinstein-Taybi syndrome due to EP300 haploinsufficiency. Review status: no assertion criteria provided. Collection method: clinical testing. Allele origin: unknown. Affected: yes. Not counted in ClinVar's aggregate classification.

Literature cited by the submitters: PubMed 10700188 (cited by OMIM).

NM_001429.4(EP300):c.1738C>T (p.Arg580Ter)

Gene: EP300 (EP300 lysine acetyltransferase; plus strand). Cytogenetic location: 22q13.2.
Variant type: single nucleotide variant.
Coding change: c.1738C>T on transcript NM_001429.4 (MANE Select); coding-DNA position 1738, C replaced by T.
Protein change: p.Arg580Ter; replaces arginine 580 with a stop codon.
Molecular consequence: nonsense.
Genome position (GRCh38, 1-based): chr22:41,137,768, C>T. VCF-style: chr22-41137768-C-T. GRCh37 (hg19) VCF-style: chr22-41533772-C-T.
Other names: c.1738C>T, p.Arg580Ter (NM_001362843.2); short protein forms R580*.
Identifiers: ClinVar variation 6880 (VCV000006880.7), dbSNP rs137853038, ClinGen allele CA250540.